The following is an entry in ClinVar:

ClinVar aggregate classification (germline): Uncertain significance. Review status: criteria provided, multiple submitters, no conflicts (2 of 4 stars). 2 submissions from 2 submitters: Uncertain significance (2). Last evaluated 2024-04-08.

Conditions:
Myofibrillar myopathy 6. Identifiers: Orphanet 199340, MedGen C2751831, MONDO:0013061, OMIM 612954.
Dilated cardiomyopathy 1HH (CMD1HH). Identifiers: Orphanet 154, MedGen C3151293, MONDO:0013479, OMIM 613881.

Allele frequency attached by ClinVar (database versions not stated): gnomAD exomes below 0.00001; TOPMed below 0.00001; gnomAD 0.00001.
gnomAD v4.1: 2 of 1,614,058 alleles (0.00012%); highest among the groups gnomAD compares: African/African-American, 0.0027%; no homozygotes.

Submissions (2):

Labcorp Genetics (formerly Invitae), Labcorp
Classification: Uncertain significance for Dilated cardiomyopathy 1HH; Myofibrillar myopathy 6. Last evaluated: 2024-04-08. Review status: criteria provided, single submitter. Criteria: Invitae Variant Classification Sherloc (09022015). Collection method: clinical testing. Allele origin: germline.
Comment: This sequence change replaces leucine, which is neutral and non-polar, with proline, which is neutral and non-polar, at codon 452 of the BAG3 protein (p.Leu452Pro). This variant is present in population databases (no rsID available, gnomAD 0.007%). This variant has not been reported in the literature in individuals affected with BAG3-related conditions. Advanced modeling of protein sequence and biophysical properties (such as structural, functional, and spatial information, amino acid conservation, physicochemical variation, residue mobility, and thermodynamic stability) performed at Invitae indicates that this missense variant is expected to disrupt BAG3 protein function with a positive predictive value of 80%. In summary, the available evidence is currently insufficient to determine the role of this variant in disease. Therefore, it has been classified as a Variant of Uncertain Significance.

Blueprint Genetics
Classification: Uncertain significance. Last evaluated: 2021-03-15. Review status: criteria provided, single submitter. Criteria: ACMG Guidelines, 2015. Collection method: clinical testing. Allele origin: germline.

NM_004281.4(BAG3):c.1355T>C (p.Leu452Pro)

Gene: BAG3 (BAG cochaperone 3; plus strand). Cytogenetic location: 10q26.11.
Variant type: single nucleotide variant.
Coding change: c.1355T>C on transcript NM_004281.4 (MANE Select); coding-DNA position 1355, T replaced by C.
Protein change: p.Leu452Pro; replaces leucine 452 with proline.
Molecular consequence: missense variant.
Genome position (GRCh38, 1-based): chr10:119,676,909, T>C. VCF-style: chr10-119676909-T-C. GRCh37 (hg19) VCF-style: chr10-121436421-T-C.
Other names: short protein forms L452P.
Identifiers: ClinVar variation 2926661 (VCV002926661.4), dbSNP rs1197677178, ClinGen allele CA378297143.